The following is an entry in ClinVar:

ClinVar aggregate classification (germline): Conflicting classifications of pathogenicity. Review status: criteria provided, conflicting classifications (1 of 4 stars). 8 submissions from 8 submitters: Uncertain significance (7); Likely benign (1). Last evaluated 2025-12-29.

Conditions:
Hereditary cancer-predisposing syndrome. Also called: Hereditary Cancer Syndrome; Neoplastic Syndromes, Hereditary; Tumor predisposition; Hereditary neoplastic syndrome. Identifiers: Orphanet 140162, MedGen C0027672, MeSH D009386, MONDO:0015356.
Hereditary diffuse gastric adenocarcinoma (HDGC). Also called: DIFFUSE GASTRIC AND LOBULAR BREAST CANCER SYNDROME. Identifiers: Orphanet 26106, MedGen C1708349, MONDO:0007648, OMIM 137215.
Familial cancer of breast. Also called: Hereditary breast cancer; hereditary breast carcinoma; BREAST CANCER, FAMILIAL. Identifiers: Orphanet 227535, MedGen C0346153, MONDO:0016419, OMIM 114480. Disease mechanism: loss of function.

Allele frequency attached by ClinVar (database versions not stated): gnomAD 0.00001.
gnomAD v4.1: 16 of 1,613,988 alleles (0.00099%); highest among the groups gnomAD compares: South Asian, 0.0022%; no homozygotes.

Submissions (8):

Center for Genomic Medicine, Rigshospitalet, Copenhagen University Hospital
Classification: Uncertain significance. Last evaluated: 2025-12-29. Review status: criteria provided, single submitter. Criteria: ACMG Guidelines, 2015. Collection method: clinical testing. Allele origin: germline.

Quest Diagnostics Nichols Institute San Juan Capistrano
Classification: Uncertain significance. Last evaluated: 2025-05-21. Review status: criteria provided, single submitter. Criteria: Quest Diagnostics criteria. Collection method: clinical testing. Allele origin: unknown.
Comment: The CDH1 c.2335C>T (p.Arg779Trp) variant has been reported in the published literature in individuals with breast cancer (PMID: 35884425 (2022), 33471991 (2021), see also LOVD), colorectal cancer (PMID: 33193653 (2020)), gastric cancer (PMID: 36627197 (2023)). The frequency of this variant in the general population (Genome Aggregation Database) is uninformative in the assessment of its pathogenicity. Analysis of this variant using bioinformatics tools for the prediction of the effect of amino acid changes on protein structure and function yielded conflicting predictions that this variant is benign or damaging. Based on the available information, we are unable to determine the clinical significance of this variant.

Ambry Genetics
Classification: Likely benign for Hereditary cancer-predisposing syndrome. Last evaluated: 2025-04-08. Review status: criteria provided, single submitter. Criteria: Ambry Variant Classification Scheme 2023. Collection method: clinical testing. Allele origin: germline.

Labcorp Genetics (formerly Invitae), Labcorp
Classification: Uncertain significance for Hereditary diffuse gastric adenocarcinoma. Last evaluated: 2025-01-19. Review status: criteria provided, single submitter. Criteria: Invitae Variant Classification Sherloc (09022015). Collection method: clinical testing. Allele origin: germline.
Comment: This sequence change replaces arginine, which is basic and polar, with tryptophan, which is neutral and slightly polar, at codon 779 of the CDH1 protein (p.Arg779Trp). This variant is not present in population databases (gnomAD no frequency). This missense change has been observed in individual(s) with colorectal cancer, gastric cancer, and/or juvenile polyps (PMID: 27146957, 33193653, 36627197). ClinVar contains an entry for this variant (Variation ID: 233087). An algorithm developed to predict the effect of missense changes on protein structure and function (PolyPhen-2) suggests that this variant is likely to be disruptive. In summary, the available evidence is currently insufficient to determine the role of this variant in disease. Therefore, it has been classified as a Variant of Uncertain Significance.

Color Diagnostics, LLC DBA Color Health
Classification: Uncertain significance for Hereditary cancer-predisposing syndrome. Last evaluated: 2024-08-05. Review status: criteria provided, single submitter. Criteria: ACMG Guidelines, 2015. Collection method: clinical testing. Allele origin: germline.
Comment: This missense variant replaces arginine with tryptophan at codon 779 of the CDH1 protein. To our knowledge, functional studies have not been performed for this variant. This variant has been observed in an individual affected with juvenile polyposis (PMID: 27146957), however, the variant was also observed in the proband's unaffected father (PMID: 27477802). The variant has also been reported in a family affected with colorectal cancer (PMID: 33193653). This variant has not been identified in the general population by the Genome Aggregation Database (gnomAD). The available evidence is insufficient to determine the role of this variant in disease conclusively. Therefore, this variant is classified as a Variant of Uncertain Significance.

Baylor Genetics
Classification: Uncertain significance for Familial cancer of breast. Last evaluated: 2024-03-22. Review status: criteria provided, single submitter. Criteria: ACMG Guidelines, 2015. Collection method: clinical testing. Allele origin: unknown.

GeneDx
Classification: Uncertain significance. Last evaluated: 2024-03-15. Review status: criteria provided, single submitter. Criteria: GeneDx Variant Classification Process June 2021. Collection method: clinical testing. Allele origin: germline. Affected: yes.
Comment: Not observed at significant frequency in large population cohorts (gnomAD); In silico analysis supports that this missense variant has a deleterious effect on protein structure/function; Reported in individuals with personal or family history of colorectal cancer or with juvenile polyps (PMID: 27146957, 33193653); Observed in cancer free controls and not observed in any biliary tract cancer cases in a case control study (PMID: 36243179); This variant is associated with the following publications: (PMID: 27146957, 17545690, 33193653, 36243179, 15235021, 22850631)

Women's Health and Genetics/Laboratory Corporation of America, LabCorp
Classification: Uncertain significance. Last evaluated: 2018-12-07. Review status: criteria provided, single submitter. Criteria: LabCorp Variant Classification Summary - May 2015. Collection method: clinical testing. Allele origin: germline.
Comment: Variant summary: CDH1 c.2335C>T (p.Arg779Trp) results in a non-conservative amino acid change located in the Cadherin, cytoplasmic domain of the encoded protein sequence. Four of five in-silico tools predict a damaging effect of the variant on protein function. The variant was absent in 246242 control chromosomes (gnomAD). The available data on variant occurrences in the general population are insufficient to allow any conclusion about variant significance. c.2335C>T has been reported in the literature in one individual affected with juvenile polyps (Jelsig_2016a). Samples from the parents revealed that the variant was inherited from the father, who is healthy (Jelsig_2016b), indicating lack of co-segregation of this variant and juvenile polyps condition. These reports do not provide conclusions about association of the variant with Hereditary Diffuse Gastric Cancer. To our knowledge, no experimental evidence demonstrating an impact on protein function has been reported. Four ClinVar submissions from clinical diagnostic laboratories (evaluation after 2014) cite the variant as uncertain significance. Based on the evidence outlined above, the variant was classified as uncertain significance.

Literature cited by the submitters: PubMed 33471991 (cited by Quest Diagnostics Nichols Institute San Juan Capistrano); PubMed 36627197 (cited by Quest Diagnostics Nichols Institute San Juan Capistrano and Labcorp Genetics (formerly Invitae), Labcorp); PubMed 33193653 (cited by 3 submitters); PubMed 27146957 (cited by 4 submitters); PubMed 35884425 (cited by Quest Diagnostics Nichols Institute San Juan Capistrano); PubMed 27477802 (cited by 3 submitters).

NM_004360.5(CDH1):c.2335C>T (p.Arg779Trp)

Gene: CDH1 (cadherin 1; plus strand). Cytogenetic location: 16q22.1.
Variant type: single nucleotide variant.
Coding change: c.2335C>T on transcript NM_004360.5 (MANE Select); coding-DNA position 2335, C replaced by T.
Protein change: p.Arg779Trp; replaces arginine 779 with tryptophan.
Molecular consequence: missense variant.
Genome position (GRCh38, 1-based): chr16:68,829,693, C>T. VCF-style: chr16-68829693-C-T. GRCh37 (hg19) VCF-style: chr16-68863596-C-T.
Other names: c.2335C>T (LRG_301t1); c.2152C>T, p.Arg718Trp (NM_001317184.2); c.787C>T, p.Arg263Trp (NM_001317185.2); c.370C>T, p.Arg124Trp (NM_001317186.2); short protein forms R779W, R124W, R263W, R718W.
Identifiers: ClinVar variation 233087 (VCV000233087.29), dbSNP rs876660183, ClinGen allele CA10580159.
Genomic context (GRCh38, chr16:68,829,693, plus strand): 5'-TTCAACCTTTTTTCTCCAAAGGACTTTGACTTGAGCCAGCTGCACAGGGGCCTGGACGCT[C>T]GGCCTGAAGTGACTCGTAACGACGTTGCACCAACCCTCATGAGTGTCCCCCGGTATCTTC-3'
Protein context (NP_004351.1, residues 769-789): LSQLHRGLDA[Arg779Trp]PEVTRNDVAP